The following is an entry in ClinVar:

ClinVar aggregate classification (germline): Uncertain significance. Review status: criteria provided, multiple submitters, no conflicts (2 of 4 stars). 2 submissions from 2 submitters: Uncertain significance (2). Last evaluated 2026-01-14.

Conditions:
Inborn genetic diseases. Identifiers: MedGen C0950123, MeSH D030342.

Allele frequency attached by ClinVar (database versions not stated): TOPMed 0.00004; 1000 Genomes Project 30x 0.00016; gnomAD exomes 0.00001; 1000 Genomes Project 0.00020; ExAC 0.00002; gnomAD 0.00004.

Submissions (2):

Labcorp Genetics (formerly Invitae), Labcorp
Classification: Uncertain significance. Last evaluated: 2026-01-14. Review status: criteria provided, single submitter. Criteria: Invitae Variant Classification Sherloc (09022015). Collection method: clinical testing. Allele origin: germline.
Comment: This sequence change replaces arginine, which is basic and polar, with histidine, which is basic and polar, at codon 432 of the MBD4 protein (p.Arg432His). This variant is present in population databases (rs200137916, gnomAD 0.008%). This missense change has been observed in individual(s) with autism spectrum disorder (PMID: 25363768, 28714951, 31785789, 34011629). ClinVar contains an entry for this variant (Variation ID: 2910175). An algorithm developed to predict the effect of missense changes on protein structure and function (PolyPhen-2) suggests that this variant is likely to be disruptive. In summary, the available evidence is currently insufficient to determine the role of this variant in disease. Therefore, it has been classified as a Variant of Uncertain Significance.

Ambry Genetics
Classification: Uncertain significance for Inborn genetic diseases. Last evaluated: 2025-01-09. Review status: criteria provided, single submitter. Criteria: Ambry Variant Classification Scheme 2023. Collection method: clinical testing. Allele origin: germline.
Comment: The p.R426H variant (also known as c.1277G>A), located in coding exon 5 of the MBD4 gene, results from a G to A substitution at nucleotide position 1277. The arginine at codon 426 is replaced by histidine, an amino acid with highly similar properties. This amino acid position is highly conserved in available vertebrate species. In addition, this alteration is predicted to be deleterious by in silico analysis. Based on the available evidence, the clinical significance of this variant remains unclear.

Literature cited by the submitters: PubMed 25363768 (cited by Labcorp Genetics (formerly Invitae), Labcorp); PubMed 28714951 (cited by Labcorp Genetics (formerly Invitae), Labcorp); PubMed 31785789 (cited by Labcorp Genetics (formerly Invitae), Labcorp); PubMed 34011629 (cited by Labcorp Genetics (formerly Invitae), Labcorp).

NM_001276270.2(MBD4):c.1277G>A (p.Arg426His)

Gene: MBD4 (methyl-CpG binding domain 4, DNA glycosylase; minus strand). Cytogenetic location: 3q21.3.
Variant type: single nucleotide variant.
Coding change: c.1277G>A on transcript NM_001276270.2 (MANE Select); coding-DNA position 1277, G replaced by A.
Protein change: p.Arg426His; replaces arginine 426 with histidine.
Molecular consequence: missense variant.
Genome position (GRCh38, 1-based): chr3:129,433,966, C>T on the plus strand (G>A on the coding strand, the complement: MBD4 is on the minus strand). VCF-style: chr3-129433966-C-T. GRCh37 (hg19) VCF-style: chr3-129152809-C-T.
Other names: c.1295G>A, p.Arg432His (NM_001276271.2, NM_001276272.2, NM_003925.3); c.341G>A, p.Arg114His (NM_001276273.2); short protein forms R114H, R432H, R426H.
Identifiers: ClinVar variation 2910175 (VCV002910175.4), dbSNP rs200137916, ClinGen allele CA2605335.